The following is an entry in ClinVar:

NM_004999.4(MYO6):c.*1962A>G

Gene: MYO6 (myosin VI; plus strand). Cytogenetic location: 6q14.1.
Variant type: single nucleotide variant.
Coding change: c.*1962A>G on transcript NM_004999.4 (MANE Select); 1962 bases downstream of the stop codon, A replaced by G.
Molecular consequence: 3 prime UTR variant. On other transcripts: non-coding transcript variant (1).
Genome position (GRCh38, 1-based): chr6:75,916,974, A>G. VCF-style: chr6-75916974-A-G. GRCh37 (hg19) VCF-style: chr6-76626691-A-G.
Other names: c.*1962A>G (NM_001300899.2, NM_001368136.1, NM_001368137.1 and 3 more transcripts).
Identifiers: ClinVar variation 358025 (VCV000358025.8), dbSNP rs80199115, ClinGen allele CA10622715.

ClinVar aggregate classification (germline): Benign/Likely benign. Review status: criteria provided, multiple submitters, no conflicts (2 of 4 stars). 3 submissions from 2 submitters: Benign (2); Likely benign (1). Last evaluated 2021-05-13.

Conditions:
Autosomal recessive nonsyndromic hearing loss 37. Identifiers: Orphanet 90636, MedGen C1843028, MONDO:0011912, OMIM 607821.
Autosomal dominant nonsyndromic hearing loss 22. Also called: Autosomal dominant nonsyndromic deafness 22; DFNA 22. Identifiers: Orphanet 228012, MedGen C2931767, MONDO:0011660, OMIM 606346.

Allele frequency attached by ClinVar (database versions not stated): gnomAD 0.01663 and 0.01750; TOPMed 0.01893; 1000 Genomes Project 0.02316; 1000 Genomes Project 30x 0.02358.

Submissions (3):

GeneDx
Classification: Benign. Last evaluated: 2021-05-13. Review status: criteria provided, single submitter. Criteria: GeneDx Variant Classification Process June 2021. Collection method: clinical testing. Allele origin: germline. Affected: yes.

Illumina Laboratory Services, Illumina
Classification: Benign for Autosomal dominant nonsyndromic hearing loss 22. Last evaluated: 2018-01-12. Review status: criteria provided, single submitter. Criteria: ICSL Variant Classification Criteria 13 December 2019. Collection method: clinical testing. Allele origin: germline.
Comment: This variant was observed in the ICSL laboratory as part of a predisposition screen in an ostensibly healthy population. It had not been previously curated by ICSL or reported in the Human Gene Mutation Database (HGMD: prior to June 1st, 2018), and was therefore a candidate for classification through an automated scoring system. Utilizing variant allele frequency, disease prevalence and penetrance estimates, and inheritance mode, an automated score was calculated to assess if this variant is too frequent to cause the disease. Based on the score and internal cut-off values, a variant classified as benign is not then subjected to further curation. The score for this variant resulted in a classification of benign for this disease.

Illumina Laboratory Services, Illumina
Classification: Likely benign for Autosomal recessive nonsyndromic hearing loss 37. Last evaluated: 2018-01-12. Review status: criteria provided, single submitter. Criteria: ICSL Variant Classification Criteria 13 December 2019. Collection method: clinical testing. Allele origin: germline.
Comment: This variant was observed in the ICSL laboratory as part of a predisposition screen in an ostensibly healthy population. It had not been previously curated by ICSL or reported in the Human Gene Mutation Database (HGMD: prior to June 1st, 2018), and was therefore a candidate for classification through an automated scoring system. Utilizing variant allele frequency, disease prevalence and penetrance estimates, and inheritance mode, an automated score was calculated to assess if this variant is too frequent to cause the disease. Based on the score and internal cut-off values, a variant classified as likely benign is not then subjected to further curation. The score for this variant resulted in a classification of likely benign for this disease.